The following is an entry in ClinVar:

NM_198407.2(GHSR):c.968ACA[1] (p.Asn324del)

Gene: GHSR (growth hormone secretagogue receptor; minus strand). Cytogenetic location: 3q26.31.
Variant type: Microsatellite.
Coding change: c.968ACA[1] on transcript NM_198407.2 (MANE Select); one copy of the 3-base unit ACA starting at c.968; the reference has two copies in a row; one copy, 3 bases deleted.
Protein change: p.Asn324del; deletes asparagine 324.
Genome position (GRCh38, 1-based): chr3:172,445,289-172,445,291, TGT deleted on the plus strand (ACA on the coding strand, the reverse complement: GHSR is on the minus strand); deleting any 3 consecutive bases within chr3:172,445,289-172,445,294 gives the same sequence; the position shown is the placement nearest the transcript's 3' end. VCF-style (leftmost placement, unchanged base first): chr3-172445288-ATGT-A. GRCh37 (hg19) VCF-style: chr3-172163078-ATGT-A.
Other names: short protein forms N324del.
Identifiers: ClinVar variation 3657314 (VCV003657314.2).
Genomic context (GRCh38, chr3:172,445,288, plus strand): 5'-TGGGAGAAGGGTTCGAATCCCAGAAGTCTGAACACTGCCACCCGGTACTTCTTGGACATG[ATGT>A]TGTACAGAATGGGGTTGATGGCAGCACTGAGGTAGAAGAGGACAAAGGACACGAGGTTGC-3'

ClinVar aggregate classification (germline): Uncertain significance (1 of 4 stars; one submission).

Submission:

Labcorp Genetics (formerly Invitae), Labcorp
Classification: Uncertain significance. Last evaluated: 2024-07-09. Review status: criteria provided, single submitter. Criteria: Invitae Variant Classification Sherloc (09022015). Collection method: clinical testing. Allele origin: germline.
Comment: This variant, c.971_973del, results in the deletion of 1 amino acid(s) of the GHSR protein (p.Asn324del), but otherwise preserves the integrity of the reading frame. This variant is not present in population databases (gnomAD no frequency). This variant has not been reported in the literature in individuals affected with GHSR-related conditions. Experimental studies and prediction algorithms are not available or were not evaluated, and the functional significance of this variant is currently unknown. In summary, the available evidence is currently insufficient to determine the role of this variant in disease. Therefore, it has been classified as a Variant of Uncertain Significance.